The following is an entry in ClinVar:

ClinVar aggregate classification (germline): Uncertain significance (1 of 4 stars; one submission).

Conditions:
Idiopathic generalized epilepsy. Also called: Generalised epilepsy; EIG. Identifiers: MedGen C0270850, MONDO:0005579, OMIM 600669.
Hyperaldosteronism, familial, type IV (HALD4). Also called: FH IV; ALDOSTERONISM, PRIMARY, AND HYPERTENSION. Identifiers: Orphanet 642671, MedGen C4310756, MONDO:0014875, OMIM 617027.

Submission:

Labcorp Genetics (formerly Invitae), Labcorp
Classification: Uncertain significance for Idiopathic generalized epilepsy; Hyperaldosteronism, familial, type IV. Last evaluated: 2020-12-08. Review status: criteria provided, single submitter. Criteria: Invitae Variant Classification Sherloc (09022015). Collection method: clinical testing. Allele origin: germline.
Comment: In summary, the available evidence is currently insufficient to determine the role of this variant in disease. Therefore, it has been classified as a Variant of Uncertain Significance. Advanced modeling of protein sequence and biophysical properties (such as structural, functional, and spatial information, amino acid conservation, physicochemical variation, residue mobility, and thermodynamic stability) performed at Invitae indicates that this missense variant is not expected to disrupt CACNA1H protein function. This variant has not been reported in the literature in individuals with CACNA1H-related conditions. This variant is not present in population databases (ExAC no frequency). This sequence change replaces methionine with leucine at codon 299 of the CACNA1H protein (p.Met299Leu). The methionine residue is highly conserved and there is a small physicochemical difference between methionine and leucine.

NM_021098.3(CACNA1H):c.895A>T (p.Met299Leu)

Gene: CACNA1H (calcium voltage-gated channel subunit alpha1 H; plus strand). Cytogenetic location: 16p13.3.
Variant type: single nucleotide variant.
Coding change: c.895A>T on transcript NM_021098.3 (MANE Select); coding-DNA position 895, A replaced by T.
Protein change: p.Met299Leu; replaces methionine 299 with leucine.
Molecular consequence: missense variant.
Genome position (GRCh38, 1-based): chr16:1,200,347, A>T. VCF-style: chr16-1200347-A-T. GRCh37 (hg19) VCF-style: chr16-1250347-A-T.
Other names: c.895A>T, p.Met299Leu (NM_001005407.2); short protein forms M299L.
Identifiers: ClinVar variation 1481430 (VCV001481430.8), dbSNP rs1219214145, ClinGen allele CA394156250.